The following is an entry in ClinVar:

NM_004329.3(BMPR1A):c.818G>C (p.Arg273Pro)

Gene: BMPR1A (bone morphogenetic protein receptor type 1A; plus strand). Cytogenetic location: 10q23.2.
Variant type: single nucleotide variant.
Coding change: c.818G>C on transcript NM_004329.3 (MANE Select); coding-DNA position 818, G replaced by C.
Protein change: p.Arg273Pro; replaces arginine 273 with proline.
Molecular consequence: missense variant. On other transcripts: non-coding transcript variant (3).
Genome position (GRCh38, 1-based): chr10:86,917,276, G>C. VCF-style: chr10-86917276-G-C. GRCh37 (hg19) VCF-style: chr10-88677033-G-C.
Other names: c.734G>C, p.Arg245Pro (NM_001406584.1, NM_001406585.1, NM_001406586.1 and 2 more transcripts); c.476G>C, p.Arg159Pro (NM_001406589.1); c.893G>C, p.Arg298Pro (NM_001406559.1); c.866G>C, p.Arg289Pro (NM_001406560.1); c.818G>C, p.Arg273Pro (NM_001406561.1, NM_001406562.1, NM_001406563.1 and 19 more transcripts); c.812G>C, p.Arg271Pro (NM_001406583.1); short protein forms R159P, R245P, R271P, R273P, R289P, R298P.
Identifiers: ClinVar variation 3223968 (VCV003223968.2), dbSNP rs762178061, ClinGen allele CA377458429.

ClinVar aggregate classification (germline): Uncertain significance (1 of 4 stars; one submission).

Conditions:
Hereditary cancer-predisposing syndrome. Also called: Neoplastic Syndromes, Hereditary; Tumor predisposition; Hereditary Cancer Syndrome; Hereditary neoplastic syndrome. Identifiers: Orphanet 140162, MedGen C0027672, MeSH D009386, MONDO:0015356.

Submission:

Ambry Genetics
Classification: Uncertain significance for Hereditary cancer-predisposing syndrome. Last evaluated: 2026-07-16. Review status: criteria provided, single submitter. Criteria: Ambry Variant Classification Scheme 2023. Collection method: clinical testing. Allele origin: germline.
Comment: The p.R273P variant (also known as c.818G>C), located in coding exon 7 of the BMPR1A gene, results from a G to C substitution at nucleotide position 818. The arginine at codon 273 is replaced by proline, an amino acid with dissimilar properties. This amino acid position is conserved. In addition, this alteration is predicted to be deleterious by in silico analysis. Based on the available evidence, the clinical significance of this variant remains unclear.